The following is an entry in ClinVar:

ClinVar aggregate classification (germline): Uncertain significance. Review status: criteria provided, multiple submitters, no conflicts (2 of 4 stars). 2 submissions from 2 submitters: Uncertain significance (2). Last evaluated 2025-07-16.

Conditions:
Tuberous sclerosis 2 (TSC2). Identifiers: Orphanet 805, MedGen C1860707, MONDO:0013199, OMIM 613254.
Hereditary cancer-predisposing syndrome. Also called: Hereditary Cancer Syndrome; Hereditary neoplastic syndrome; Neoplastic Syndromes, Hereditary; Tumor predisposition. Identifiers: Orphanet 140162, MedGen C0027672, MeSH D009386, MONDO:0015356.

Submissions (2):

Ambry Genetics
Classification: Uncertain significance for Hereditary cancer-predisposing syndrome. Last evaluated: 2025-07-16. Review status: criteria provided, single submitter. Criteria: Ambry Variant Classification Scheme 2023. Collection method: clinical testing. Allele origin: germline.
Comment: The p.A1405V variant (also known as c.4214C>T), located in coding exon 33 of the TSC2 gene, results from a C to T substitution at nucleotide position 4214. The alanine at codon 1405 is replaced by valine, an amino acid with similar properties. This amino acid position is conserved. In addition, the in silico prediction for this alteration is inconclusive. Based on the available evidence, the clinical significance of this variant remains unclear.

Labcorp Genetics (formerly Invitae), Labcorp
Classification: Uncertain significance for Tuberous sclerosis 2. Last evaluated: 2024-09-02. Review status: criteria provided, single submitter. Criteria: Invitae Variant Classification Sherloc (09022015). Collection method: clinical testing. Allele origin: germline.
Comment: This sequence change replaces alanine, which is neutral and non-polar, with valine, which is neutral and non-polar, at codon 1405 of the TSC2 protein (p.Ala1405Val). This variant is not present in population databases (gnomAD no frequency). This variant has not been reported in the literature in individuals affected with TSC2-related conditions. Invitae Evidence Modeling of protein sequence and biophysical properties (such as structural, functional, and spatial information, amino acid conservation, physicochemical variation, residue mobility, and thermodynamic stability) indicates that this missense variant is not expected to disrupt TSC2 protein function with a negative predictive value of 95%. In summary, the available evidence is currently insufficient to determine the role of this variant in disease. Therefore, it has been classified as a Variant of Uncertain Significance.

NM_000548.5(TSC2):c.4214C>T (p.Ala1405Val)

Gene: TSC2 (TSC complex subunit 2; plus strand). Cytogenetic location: 16p13.3.
Variant type: single nucleotide variant.
Coding change: c.4214C>T on transcript NM_000548.5 (MANE Select); coding-DNA position 4214, C replaced by T.
Protein change: p.Ala1405Val; replaces alanine 1405 with valine.
Molecular consequence: missense variant. On other transcripts: non-coding transcript variant (5).
Genome position (GRCh38, 1-based): chr16:2,084,436, C>T. VCF-style: chr16-2084436-C-T. GRCh37 (hg19) VCF-style: chr16-2134437-C-T.
Other names: c.4013C>T, p.Ala1338Val (NM_001077183.3); c.4145C>T, p.Ala1382Val (NM_001114382.3); c.3905C>T, p.Ala1302Val (NM_001318827.2); c.3869C>T, p.Ala1290Val (NM_001318829.2); c.3482C>T, p.Ala1161Val (NM_001318831.2); c.4046C>T, p.Ala1349Val (NM_001318832.2); c.4016C>T, p.Ala1339Val (NM_001363528.2); c.4082C>T, p.Ala1361Val (NM_001370404.1); and 26 more; short protein forms A1138V, A1139V, A1161V, A1369V, A1382V, A1404V, A1405V, A890V.
Identifiers: ClinVar variation 3637234 (VCV003637234.3).